The following is an entry in ClinVar:

NM_004744.5(LRAT):c.205C>T (p.Arg69Cys)

Gene: LRAT (lecithin retinol acyltransferase; plus strand). Cytogenetic location: 4q32.1.
Variant type: single nucleotide variant.
Coding change: c.205C>T on transcript NM_004744.5 (MANE Select); coding-DNA position 205, C replaced by T.
Protein change: p.Arg69Cys; replaces arginine 69 with cysteine.
Molecular consequence: missense variant.
Genome position (GRCh38, 1-based): chr4:154,744,531, C>T. VCF-style: chr4-154744531-C-T. GRCh37 (hg19) VCF-style: chr4-155665683-C-T.
Other names: c.205C>T, p.Arg69Cys (NM_001301645.2); short protein forms R69C.
Identifiers: ClinVar variation 347848 (VCV000347848.12), dbSNP rs775838916, ClinGen allele CA3115833.

ClinVar aggregate classification (germline): Uncertain significance. Review status: criteria provided, multiple submitters, no conflicts (2 of 4 stars). 4 submissions from 3 submitters: Uncertain significance (4). Last evaluated 2024-07-29.

Conditions:
Leber congenital amaurosis 14 (LCA14). Identifiers: MedGen C2750063, MONDO:0013231, OMIM 613341.
Retinitis pigmentosa (RP). Identifiers: Orphanet 791, MedGen C0035334, MeSH D012174, MONDO:0019200, OMIM 268000. Inheritance: Autosomal dominant, autosomal recessive and X linked inheritance.

Allele frequency attached by ClinVar (database versions not stated): gnomAD 0.00001; ExAC 0.00002; gnomAD exomes 0.00002; TOPMed 0.00002.

Submissions (4):

Labcorp Genetics (formerly Invitae), Labcorp
Classification: Uncertain significance. Last evaluated: 2024-07-29. Review status: criteria provided, single submitter. Criteria: Invitae Variant Classification Sherloc (09022015). Collection method: clinical testing. Allele origin: germline.
Comment: This sequence change replaces arginine, which is basic and polar, with cysteine, which is neutral and slightly polar, at codon 69 of the LRAT protein (p.Arg69Cys). This variant is present in population databases (rs775838916, gnomAD 0.01%). This variant has not been reported in the literature in individuals affected with LRAT-related conditions. ClinVar contains an entry for this variant (Variation ID: 347848). An algorithm developed to predict the effect of missense changes on protein structure and function (PolyPhen-2) suggests that this variant is likely to be disruptive. In summary, the available evidence is currently insufficient to determine the role of this variant in disease. Therefore, it has been classified as a Variant of Uncertain Significance.

Blueprint Genetics
Classification: Uncertain significance. Last evaluated: 2021-11-30. Review status: criteria provided, single submitter. Criteria: ACMG Guidelines, 2015. Collection method: clinical testing. Allele origin: germline.

Illumina Laboratory Services, Illumina
Classification: Uncertain significance for Leber congenital amaurosis 14. Last evaluated: 2018-01-13. Review status: criteria provided, single submitter. Criteria: ICSL Variant Classification Criteria 13 December 2019. Collection method: clinical testing. Allele origin: germline.

Illumina Laboratory Services, Illumina
Classification: Uncertain significance for Retinitis pigmentosa. Last evaluated: 2018-01-13. Review status: criteria provided, single submitter. Criteria: ICSL Variant Classification Criteria 13 December 2019. Collection method: clinical testing. Allele origin: germline.